The following is an entry in ClinVar:

NM_000053.4(ATP7B):c.3557G>C (p.Gly1186Ala)

Gene: ATP7B (ATPase copper transporting beta; minus strand). Cytogenetic location: 13q14.3.
Variant type: single nucleotide variant.
Coding change: c.3557G>C on transcript NM_000053.4 (MANE Select); coding-DNA position 3557, G replaced by C.
Protein change: p.Gly1186Ala; replaces glycine 1186 with alanine.
Molecular consequence: missense variant.
Genome position (GRCh38, 1-based): chr13:51,939,193, C>G on the plus strand (G>C on the coding strand, the complement: ATP7B is on the minus strand). VCF-style: chr13-51939193-C-G. GRCh37 (hg19) VCF-style: chr13-52513329-C-G.
Other names: c.2936G>C, p.Gly979Ala (NM_001005918.3); c.3224G>C, p.Gly1075Ala (NM_001243182.2); c.3323G>C, p.Gly1108Ala (NM_001330578.2, NM_001406527.1, NM_001406528.1); c.3305G>C, p.Gly1102Ala (NM_001330579.2, NM_001406531.1, NM_001406532.1); c.3557G>C, p.Gly1186Ala (NM_001406511.1, NM_001406512.1, NM_001406526.1); c.3551G>C, p.Gly1184Ala (NM_001406513.1); c.3524G>C, p.Gly1175Ala (NM_001406514.1); c.3503G>C, p.Gly1168Ala (NM_001406515.1, NM_001406516.1); and 20 more; short protein forms G1022A, G1024A, G1037A, G1043A, G1060A, G1073A, G1075A, G1076A.
Identifiers: ClinVar variation 3387444 (VCV003387444.1).

ClinVar aggregate classification (germline): Uncertain significance (1 of 4 stars; one submission).

Conditions:
Wilson disease (WND). Also called: Wilson's disease. Identifiers: Orphanet 905, MedGen C0019202, MONDO:0010200, OMIM 277900. Disease mechanism: loss of function.

gnomAD v4.1: 1 of 1,613,080 alleles (0.000062%); highest among the groups gnomAD compares: Non-Finnish European, 0.000085%; no homozygotes.

Submission:

All of Us Research Program, National Institutes of Health
Classification: Uncertain significance for Wilson disease. Last evaluated: 2024-07-10. Review status: criteria provided, single submitter. Criteria: ACMG Guidelines, 2015. Collection method: clinical testing. Allele origin: germline. Inheritance: Autosomal recessive inheritance. Observed: 1 variant allele, 1 heterozygote.
Comment: This missense variant replaces glycine with alanine at codon 1186 in the N domain of the ATP7B protein (a.a. 1032 - 1196), a highly conserved region that is considered to be important for ATP7B protein function (PMID: 35245129; ClinVar). Computational prediction suggests that this variant may have deleterious impact on protein structure and function. To our knowledge, functional studies have not been reported for this variant. This variant has not been reported in individuals affected with ATP7B-related disorders in the literature. Splice site prediction tools suggest that this variant may have a significant impact on RNA splicing, although this prediction has not been confirmed in published RNA studies. This variant has been identified in 1/248376 chromosomes in the general population by the Genome Aggregation Database (gnomAD). The available evidence is insufficient to determine the role of this variant in disease conclusively. Therefore, this variant is classified as a Variant of Uncertain Significance.

This study involves interpretation of variants in research participants for the purpose of population health screening. Participant phenotype was not available at the time of variant classification. Additional details can be found in publication PMID: 35346344, PMCID: PMC8962531

Literature cited by the submitters: PubMed 35245129.